The following is an entry in ClinVar:

NM_032119.4(ADGRV1):c.9815del (p.Phe3272fs)

Gene: ADGRV1 (adhesion G protein-coupled receptor V1; plus strand). Cytogenetic location: 5q14.3.
Variant type: Deletion.
Coding change: c.9815del on transcript NM_032119.4 (MANE Select); coding-DNA position 9815, one base deleted (T; older notation c.9815delT).
Protein change: p.Phe3272fs; shifts the reading frame from phenylalanine 3272.
Molecular consequence: frameshift variant. On other transcripts: non-coding transcript variant (1).
Genome position (GRCh38, 1-based): chr5:90,724,898, T deleted; the last of 3 consecutive T bases (chr5:90,724,896-90,724,898); deleting any one gives the same sequence. VCF-style (leftmost placement, unchanged base first): chr5-90724895-GT-G. GRCh37 (hg19) VCF-style: chr5-90020712-GT-G.
Other names: short protein forms F3272fs.
Identifiers: ClinVar variation 3654444 (VCV003654444.2).
Genomic context (GRCh38, chr5:90,724,895, plus strand): 5'-GAATGGATGTTGTGTTTTCCGTATTTCAAAGTTTTTTGGATGAATCAGCTTCTGGCTGGT[GT>G]TTCTTTACTTTGGAAAATTTAATATATGGTATAATGTTAAGAAAATCATCTGTTACTGTT-3'

ClinVar aggregate classification (germline): Pathogenic (1 of 4 stars; one submission).

Submission:

Labcorp Genetics (formerly Invitae), Labcorp
Classification: Pathogenic. Last evaluated: 2024-05-24. Review status: criteria provided, single submitter. Criteria: Invitae Variant Classification Sherloc (09022015). Collection method: clinical testing. Allele origin: germline.
Comment: This sequence change creates a premature translational stop signal (p.Phe3272Serfs*7) in the ADGRV1 gene. It is expected to result in an absent or disrupted protein product. Loss-of-function variants in ADGRV1 are known to be pathogenic (PMID: 19357117, 22135276, 22147658, 26226137, 30718709, 31047384, 32467589). This variant is not present in population databases (gnomAD no frequency). This variant has not been reported in the literature in individuals affected with ADGRV1-related conditions. For these reasons, this variant has been classified as Pathogenic.

Literature cited by the submitters: PubMed 19357117; PubMed 22135276; PubMed 22147658; PubMed 26226137; PubMed 30718709; PubMed 31047384; PubMed 32467589.